The following is an entry in ClinVar:

ClinVar aggregate classification (germline): Pathogenic. Review status: reviewed by expert panel (3 of 4 stars). 9 submissions from 9 submitters: Pathogenic (1). 8 of the submissions do not count toward it. Last evaluated 2023-08-25.

Conditions:
CDH1-related diffuse gastric and lobular breast cancer syndrome. Also called: CDH1-related diffuse gastric and lobular breast cancer. Identifiers: MedGen CN311521, MONDO:0100488.
Hereditary cancer-predisposing syndrome. Also called: Tumor predisposition; Hereditary Cancer Syndrome; Hereditary neoplastic syndrome; Neoplastic Syndromes, Hereditary. Identifiers: Orphanet 140162, MedGen C0027672, MeSH D009386, MONDO:0015356.
Hereditary diffuse gastric adenocarcinoma (HDGC). Also called: DIFFUSE GASTRIC AND LOBULAR BREAST CANCER SYNDROME. Identifiers: Orphanet 26106, MedGen C1708349, MONDO:0007648, OMIM 137215.
Familial cancer of breast. Also called: BREAST CANCER, FAMILIAL; hereditary breast carcinoma; Hereditary breast cancer. Identifiers: Orphanet 227535, MedGen C0346153, MONDO:0016419, OMIM 114480. Disease mechanism: loss of function.
Malignant tumor of breast. Also called: Cancer breast; Malignant breast neoplasm. Identifiers: MedGen C0006142, MONDO:0007254. Disease mechanism: loss of function.

Submissions (9):

Clingen Gastric Cancer Variant Curation Expert Panel
Classification: Pathogenic for CDH1-related diffuse gastric and lobular breast cancer syndrome. Last evaluated: 2023-08-25. Review status: reviewed by expert panel. Criteria: ClinGen CDH1 ACMG Specifications V3.1. Collection method: curation. Allele origin: germline. Inheritance: Autosomal dominant inheritance.
Comment: The c.1999del (p.Leu667fs) variant is predicted to result in a premature stop codon that leads to a truncated or absent protein (PVS1, PM5_Supporting). The variant is absent in the gnomAD cohort (PM2_Supporting). This variant has been reported in at least three families meeting HDGC clinical criteria (PS4_Moderate; SCV000329231.6, SCV000950815.1, SCV000215304.5). In summary, this variant meets criteria to be classified as pathogenic based on the ACMG/AMP criteria applied as specified by the CDH1 Variant Curation Expert Panel (Variant Interpretation Guidelines Version 3.1): PVS1, PM2_Supporting, PS4_Moderate, PM5_Supporting.

Labcorp Genetics (formerly Invitae), Labcorp
Classification: Pathogenic for Hereditary diffuse gastric adenocarcinoma. Last evaluated: 2025-05-27. Review status: criteria provided, single submitter. Criteria: Invitae Variant Classification Sherloc (09022015). Collection method: clinical testing. Allele origin: germline. Not counted in ClinVar's aggregate classification.
Comment: This sequence change creates a premature translational stop signal (p.Leu667Serfs*12) in the CDH1 gene. It is expected to result in an absent or disrupted protein product. Loss-of-function variants in CDH1 are known to be pathogenic (PMID: 15235021, 20373070). This variant is not present in population databases (gnomAD no frequency). This premature translational stop signal has been observed in individual(s) with hereditary diffuse gastric cancer (PMID: 31077828). ClinVar contains an entry for this variant (Variation ID: 185252). RNA analysis performed to evaluate the impact of this premature translational stop signal on mRNA splicing indicates it does not significantly alter splicing (internal data). For these reasons, this variant has been classified as Pathogenic.

Color Diagnostics, LLC DBA Color Health
Classification: Pathogenic for Hereditary cancer-predisposing syndrome. Last evaluated: 2025-03-24. Review status: criteria provided, single submitter. Criteria: ACMG Guidelines, 2015. Collection method: clinical testing. Allele origin: germline. Not counted in ClinVar's aggregate classification.
Comment: This variant deletes 1 nucleotide in exon 13 of the CDH1 gene, creating a frameshift and premature translation stop signal. This variant is expected to result in an absent or non-functional protein product. This variant has been reported in at least three families meeting hereditary diffuse gastric cancer clinical criteria (ClinVar SCV001437625.2). This variant has not been identified in the general population by the Genome Aggregation Database (gnomAD). Loss of CDH1 function is a known mechanism of disease. Based on the available evidence, this variant is classified as Pathogenic.

GeneDx
Classification: Pathogenic. Last evaluated: 2024-04-04. Review status: criteria provided, single submitter. Criteria: GeneDx Variant Classification Process June 2021. Collection method: clinical testing. Allele origin: germline. Affected: yes. Not counted in ClinVar's aggregate classification.
Comment: Frameshift variant predicted to result in protein truncation or nonsense mediated decay in a gene for which loss of function is a known mechanism of disease; Not observed at significant frequency in large population cohorts (gnomAD); This variant is associated with the following publications: (PMID: 28152038, 31986421, 31246251, 26556299, 34949788, 31077828, 31296550, 36063148, 32260281)

Ambry Genetics
Classification: Pathogenic for Hereditary cancer-predisposing syndrome. Last evaluated: 2024-03-05. Review status: criteria provided, single submitter. Criteria: Ambry Variant Classification Scheme 2023. Collection method: clinical testing. Allele origin: germline. Not counted in ClinVar's aggregate classification.
Comment: The c.1999delC pathogenic mutation, located in coding exon 13 of the CDH1 gene, results from a deletion of one nucleotide at nucleotide position 1999, causing a translational frameshift with a predicted alternate stop codon (p.L667Sfs*12). This variant has been observed in at least one individual with a personal and/or family history that is consistent with CDH1-related diffuse gastric and lobular breast cancer (Kumar S et al. Clin Gastroenterol Hepatol, 2020 02;18:505-508.e1; Ambry internal data). This variant is considered to be rare based on population cohorts in the Genome Aggregation Database (gnomAD). In addition to the clinical data presented in the literature, this alteration is expected to result in loss of function by premature protein truncation or nonsense-mediated mRNA decay. As such, this alteration is interpreted as a disease-causing mutation.

Baylor Genetics
Classification: Pathogenic for Familial cancer of breast. Last evaluated: 2023-10-08. Review status: criteria provided, single submitter. Criteria: ACMG Guidelines, 2015. Collection method: clinical testing. Allele origin: unknown. Not counted in ClinVar's aggregate classification.

Myriad Genetics, Inc.
Classification: Pathogenic for Hereditary diffuse gastric adenocarcinoma. Last evaluated: 2023-06-15. Review status: criteria provided, single submitter. Criteria: Myriad Autosomal Dominant, Autosomal Recessive and X-Linked Classification Criteria (2023). Collection method: clinical testing. Allele origin: unknown. Not counted in ClinVar's aggregate classification.
Comment: This variant is considered pathogenic. This variant creates a frameshift predicted to result in premature protein truncation.

Quest Diagnostics Nichols Institute San Juan Capistrano
Classification: Pathogenic. Last evaluated: 2022-03-11. Review status: criteria provided, single submitter. Criteria: Quest Diagnostics criteria. Collection method: clinical testing. Allele origin: unknown. Not counted in ClinVar's aggregate classification.
Comment: This frameshift variant alters the translational reading frame of the CDH1 mRNA and causes the premature termination of CDH1 protein synthesis. This variant has not been reported in large, multi-ethnic general populations. In the published literature, the variant has been reported in individuals affected with gastric cancer identified during post-surgical pathological examinations (PMID: 31077828 (2020), 31986421 (2020)). Based on the available information, this variant is classified as pathogenic.

Women's Health and Genetics/Laboratory Corporation of America, LabCorp
Classification: Pathogenic for Malignant tumor of breast. Last evaluated: 2021-12-09. Review status: criteria provided, single submitter. Criteria: LabCorp Variant Classification Summary - May 2015. Collection method: clinical testing. Allele origin: germline. Not counted in ClinVar's aggregate classification.
Comment: Variant summary: CDH1 c.1999delC (p.Leu667SerfsX12) results in a premature termination codon, predicted to cause a truncation of the encoded protein or absence of the protein due to nonsense mediated decay, which are commonly known mechanisms for disease. Truncations downstream of this position have been classified as pathogenic by our laboratory. The variant was absent in 282864 control chromosomes (gnomAD). c.1999delC has been reported in the literature in individuals affected with Breast Cancer and Hereditary Diffuse Gastric Cancer (examples: Schrader_2016, Zhang_2020, Kumar_2020). To our knowledge, no experimental evidence demonstrating an impact on protein function has been reported. Four submitters, including an expert panel (ClinGen CDH1 Variant Curation Expert Panel), have provided clinical-significance assessments for this variant in ClinVar after 2014, and all classified the variant as pathogenic. Based on the evidence outlined above, the variant was classified as pathogenic.

Literature cited by the submitters: PubMed 15235021 (cited by Labcorp Genetics (formerly Invitae), Labcorp); PubMed 20373070 (cited by Labcorp Genetics (formerly Invitae), Labcorp); PubMed 31077828 (cited by 4 submitters); PubMed 26556299 (cited by 3 submitters); PubMed 31986421 (cited by Quest Diagnostics Nichols Institute San Juan Capistrano and Women's Health and Genetics/Laboratory Corporation of America, LabCorp); PubMed 31246251 (cited by Quest Diagnostics Nichols Institute San Juan Capistrano and Women's Health and Genetics/Laboratory Corporation of America, LabCorp); PubMed 31296550 (cited by Quest Diagnostics Nichols Institute San Juan Capistrano and Women's Health and Genetics/Laboratory Corporation of America, LabCorp); PubMed 28152038 (cited by Women's Health and Genetics/Laboratory Corporation of America, LabCorp); PubMed 32260281 (cited by Women's Health and Genetics/Laboratory Corporation of America, LabCorp).

NM_004360.5(CDH1):c.1999del (p.Leu667fs)

Gene: CDH1 (cadherin 1; plus strand). Cytogenetic location: 16q22.1.
Variant type: Deletion.
Coding change: c.1999del on transcript NM_004360.5 (MANE Select); coding-DNA position 1999, one base deleted (C; older notation c.1999delC).
Protein change: p.Leu667fs; shifts the reading frame from leucine 667.
Molecular consequence: frameshift variant.
Genome position (GRCh38, 1-based): chr16:68,823,461, C deleted. VCF-style (leftmost placement, unchanged base first): chr16-68823460-TC-T. GRCh37 (hg19) VCF-style: chr16-68857363-TC-T.
Other names: c.1999del (LRG_301t1, NM_004360.4, NM_004360.3); c.1816del, p.Leu606fs (NM_001317184.2); c.451del, p.Leu151fs (NM_001317185.2); c.34del, p.Leu12fs (NM_001317186.2); short protein forms L667fs, L606fs, L12fs, L151fs.
Identifiers: ClinVar variation 185252 (VCV000185252.25), dbSNP rs786202033, ClinGen allele CA191461.
Genomic context (GRCh38, chr16:68,823,460, plus strand): 5'-CCAAGAATCTATCATTTTGAAGCCAAAGATGGCCTTAGAGGTGGGTGACTACAAAATCAA[TC>T]TCAAGCTCATGGATAACCAGAATAAAGACCAAGTGACCACCTTAGAGGTCAGCGTGTGTG-3'